The following is an entry in ClinVar:

ClinVar aggregate classification (germline): Uncertain significance (0 of 4 stars; one submission).

Conditions:
LAS1L-related disorder. Also called: LAS1L-related condition.

Submission:

PreventionGenetics, part of Exact Sciences
Classification: Uncertain significance for LAS1L-related condition. Last evaluated: 2024-04-15. Review status: no assertion criteria provided. Collection method: clinical testing. Allele origin: germline.
Comment: The LAS1L c.94G>A variant is predicted to result in the amino acid substitution p.Gly32Arg. To our knowledge, this variant has not been reported in the literature or in a large population database, indicating this variant is rare. At this time, the clinical significance of this variant is uncertain due to the absence of conclusive functional and genetic evidence.

NM_031206.7(LAS1L):c.94G>A (p.Gly32Arg)

Gene: LAS1L (LAS1 like ribosome biogenesis factor; minus strand). Cytogenetic location: Xq12.
Variant type: single nucleotide variant.
Coding change: c.94G>A on transcript NM_031206.7 (MANE Select); coding-DNA position 94, G replaced by A.
Protein change: p.Gly32Arg; replaces glycine 32 with arginine.
Molecular consequence: missense variant. On other transcripts: 5 prime UTR variant (1), non-coding transcript variant (1).
Genome position (GRCh38, 1-based): chrX:65,534,622, C>T on the plus strand (G>A on the coding strand, the complement: LAS1L is on the minus strand). VCF-style: chrX-65534622-C-T. GRCh37 (hg19) VCF-style: chrX-64754502-C-T.
Other names: c.94G>A, p.Gly32Arg (NM_001170649.2, NM_001170650.2, NM_001375328.1 and 9 more transcripts); c.-703G>A (NM_001375332.1); short protein forms G32R.
Identifiers: ClinVar variation 3348446 (VCV003348446.1).